The following is an entry in ClinVar:

NM_005751.5(AKAP9):c.370G>T (p.Val124Leu)

Gene: AKAP9 (A-kinase anchoring protein 9; plus strand). Cytogenetic location: 7q21.2.
Variant type: single nucleotide variant.
Coding change: c.370G>T on transcript NM_005751.5 (MANE Select); coding-DNA position 370, G replaced by T.
Protein change: p.Val124Leu; replaces valine 124 with leucine.
Molecular consequence: missense variant.
Genome position (GRCh38, 1-based): chr7:91,992,176, G>T. VCF-style: chr7-91992176-G-T. GRCh37 (hg19) VCF-style: chr7-91621490-G-T.
Other names: c.370G>T, p.Val124Leu (NM_147185.3); short protein forms V124L.
Identifiers: ClinVar variation 5034136 (VCV005034136.1).

ClinVar aggregate classification (germline): Uncertain significance (1 of 4 stars; one submission).

Conditions:
Cardiovascular phenotype. Identifiers: MedGen CN230736.

gnomAD v4.1: 1 of 1,609,720 alleles (0.000062%); highest among the groups gnomAD compares: Admixed American, 0.0017%; no homozygotes.

Submission:

Ambry Genetics
Classification: Uncertain significance for Cardiovascular phenotype. Last evaluated: 2026-08-22. Review status: criteria provided, single submitter. Criteria: Ambry Variant Classification Scheme 2023. Collection method: clinical testing. Allele origin: germline.
Comment: The p.V124L variant (also known as c.370G>T), located in coding exon 4 of the AKAP9 gene, results from a G to T substitution at nucleotide position 370. The valine at codon 124 is replaced by leucine, an amino acid with highly similar properties. This amino acid position is conserved. In addition, this alteration is predicted to be tolerated by in silico analysis. Based on the available evidence, the clinical significance of this variant remains unclear.